The following is an entry in ClinVar:

ClinVar aggregate classification (germline): Benign/Likely benign. Review status: criteria provided, multiple submitters, no conflicts (2 of 4 stars). 3 submissions from 3 submitters: Benign (1); Likely benign (2). Last evaluated 2025-04-10.

Conditions:
Intellectual disability. Also called: Intellectual functioning disability; intellectual disabilities; Intellectual developmental disorder. Identifiers: MedGen C3714756, MeSH D008607, MONDO:0001071, HP:0001249.

Allele frequency attached by ClinVar (database versions not stated): gnomAD exomes 0.00001 and 0.00002; gnomAD 0.00001; ExAC 0.00001; TOPMed 0.00002.
gnomAD v4.1: 16 of 1,210,706 alleles (0.0013%); highest among the groups gnomAD compares: Middle Eastern, 0.023%; no homozygotes.

Submissions (3):

Labcorp Genetics (formerly Invitae), Labcorp
Classification: Benign. Last evaluated: 2025-04-10. Review status: criteria provided, single submitter. Criteria: Invitae Variant Classification Sherloc (09022015). Collection method: clinical testing. Allele origin: germline.

GeneDx
Classification: Likely benign. Last evaluated: 2019-12-12. Review status: criteria provided, single submitter. Criteria: GeneDx Variant Classification Process June 2021. Collection method: clinical testing. Allele origin: germline. Affected: yes.
Comment: In silico analysis, which includes protein predictors and evolutionary conservation, supports that this variant does not alter protein structure/function; In-silico analysis, which includes splice predictors and evolutionary conservation, is inconclusive as to whether the variant alters gene splicing. In the absence of RNA/functional studies, the actual effect of this sequence change is unknown.; Has not been previously published as pathogenic or benign to our knowledge

Cambridge Genomics Laboratory, East Genomic Laboratory Hub, NHS Genomic Medicine Service
Classification: Likely benign for Intellectual disability. Last evaluated: 2019-09-17. Review status: criteria provided, single submitter. Criteria: ACGS Best Practice Guidelines for Variant Classification in Rare Disease 2020. Collection method: clinical testing. Allele origin: germline. Affected: yes. Observed: 1 variant allele.

NM_015922.3(NSDHL):c.1073C>G (p.Ala358Gly)

Gene: NSDHL (NAD(P) dependent 3-beta-hydroxysteroid dehydrogenase NSDHL; plus strand). Cytogenetic location: Xq28.
Variant type: single nucleotide variant.
Coding change: c.1073C>G on transcript NM_015922.3 (MANE Select); coding-DNA position 1073, C replaced by G.
Protein change: p.Ala358Gly; replaces alanine 358 with glycine.
Molecular consequence: missense variant.
Genome position (GRCh38, 1-based): chrX:152,869,067, C>G. VCF-style: chrX-152869067-C-G. GRCh37 (hg19) VCF-style: chrX-152037611-C-G.
Other names: c.1073C>G, p.Ala358Gly (NM_001129765.2); short protein forms A358G.
Identifiers: ClinVar variation 1187334 (VCV001187334.6), dbSNP rs781870778, ClinGen allele CA10544904.